The following is an entry in ClinVar:

ClinVar aggregate classification (germline): Uncertain significance (1 of 4 stars; one submission).

Conditions:
Fanconi-Bickel syndrome (FBS). Also called: FANCONI SYNDROME WITH INTESTINAL MALABSORPTION AND GALACTOSE INTOLERANCE; HEPATIC GLYCOGENOSIS WITH AMINO ACIDURIA AND GLUCOSURIA; HEPATIC GLYCOGENOSIS WITH FANCONI NEPHROPATHY; HEPATORENAL GLYCOGENOSIS WITH RENAL FANCONI SYNDROME; Glycogen storage disease due to GLUT2 deficiency; PSEUDO-PHLORIZIN DIABETES. Identifiers: Orphanet 2088, MedGen C3495427, MONDO:0009216, OMIM 227810.

Allele frequency attached by ClinVar (database versions not stated): gnomAD exomes below 0.00001; ExAC 0.00001; gnomAD 0.00001; 1000 Genomes Project 30x 0.00016; 1000 Genomes Project 0.00020.
gnomAD v4.1: 1 of 1,612,772 alleles (0.000062%); highest among the groups gnomAD compares: East Asian, 0.0022%; no homozygotes.

Submission:

Labcorp Genetics (formerly Invitae), Labcorp
Classification: Uncertain significance for Fanconi-Bickel syndrome. Last evaluated: 2020-12-30. Review status: criteria provided, single submitter. Criteria: Invitae Variant Classification Sherloc (09022015). Collection method: clinical testing. Allele origin: germline.
Comment: In summary, the available evidence is currently insufficient to determine the role of this variant in disease. Therefore, it has been classified as a Variant of Uncertain Significance. Algorithms developed to predict the effect of missense changes on protein structure and function (SIFT, PolyPhen-2, Align-GVGD) all suggest that this variant is likely to be tolerated, but these predictions have not been confirmed by published functional studies and their clinical significance is uncertain. This variant has not been reported in the literature in individuals with SLC2A2-related conditions. This variant is present in population databases (rs200213178, ExAC 0.01%). This sequence change replaces alanine with threonine at codon 187 of the SLC2A2 protein (p.Ala187Thr). The alanine residue is highly conserved and there is a small physicochemical difference between alanine and threonine.

NM_000340.2(SLC2A2):c.559G>A (p.Ala187Thr)

Gene: SLC2A2 (solute carrier family 2 member 2; minus strand). Cytogenetic location: 3q26.2.
Variant type: single nucleotide variant.
Coding change: c.559G>A on transcript NM_000340.2 (MANE Select); coding-DNA position 559, G replaced by A.
Protein change: p.Ala187Thr; replaces alanine 187 with threonine.
Molecular consequence: missense variant.
Genome position (GRCh38, 1-based): chr3:171,007,201, C>T on the plus strand (G>A on the coding strand, the complement: SLC2A2 is on the minus strand). VCF-style: chr3-171007201-C-T. GRCh37 (hg19) VCF-style: chr3-170724990-C-T.
Other names: c.202G>A, p.Ala68Thr (NM_001278658.2); c.40G>A, p.Ala14Thr (NM_001278659.2); short protein forms A14T, A68T, A187T.
Identifiers: ClinVar variation 1513436 (VCV001513436.8), dbSNP rs200213178, ClinGen allele CA2702643.